The following is an entry in ClinVar:

NM_001365536.1(SCN9A):c.79A>G (p.Ile27Val)

Gene: SCN9A (sodium voltage-gated channel alpha subunit 9; minus strand). Cytogenetic location: 2q24.3.
Variant type: single nucleotide variant.
Coding change: c.79A>G on transcript NM_001365536.1 (MANE Select); coding-DNA position 79, A replaced by G.
Protein change: p.Ile27Val; replaces isoleucine 27 with valine.
Molecular consequence: missense variant.
Genome position (GRCh38, 1-based): chr2:166,311,678, T>C on the plus strand (A>G on the coding strand, the complement: SCN9A is on the minus strand). VCF-style: chr2-166311678-T-C. GRCh37 (hg19) VCF-style: chr2-167168188-T-C.
Other names: c.79A>G, p.Ile27Val (NM_002977.4); short protein forms I27V.
Identifiers: ClinVar variation 3762640 (VCV003762640.2).

ClinVar aggregate classification (germline): Uncertain significance (1 of 4 stars; one submission).

Conditions:
Neuropathy, hereditary sensory and autonomic, type 2A (HSAN2A). Also called: HSAN IIA; ACROOSTEOLYSIS, GIACCAI TYPE; ACROOSTEOLYSIS, NEUROGENIC; MORVAN DISEASE; NEUROPATHY, CONGENITAL SENSORY; NEUROPATHY, HEREDITARY SENSORY RADICULAR, AUTOSOMAL RECESSIVE. Identifiers: Orphanet 970, MedGen C2752089, MONDO:0024309, OMIM 201300.
Generalized epilepsy with febrile seizures plus, type 7 (GEFSP7). Also called: GEFS+, TYPE 7. Identifiers: Orphanet 36387, MedGen C2751778, MONDO:0013470, OMIM 613863.

gnomAD v4.1: 1 of 1,613,344 alleles (0.000062%); highest among the groups gnomAD compares: African/African-American, 0.0013%; no homozygotes.

Submission:

Labcorp Genetics (formerly Invitae), Labcorp
Classification: Uncertain significance for Neuropathy, hereditary sensory and autonomic, type 2A; Generalized epilepsy with febrile seizures plus, type 7. Last evaluated: 2025-08-11. Review status: criteria provided, single submitter. Criteria: Invitae Variant Classification Sherloc (09022015). Collection method: clinical testing. Allele origin: germline.
Comment: This sequence change replaces isoleucine, which is neutral and non-polar, with valine, which is neutral and non-polar, at codon 27 of the SCN9A protein (p.Ile27Val). This variant is present in population databases (no rsID available, gnomAD 0.007%). This variant has not been reported in the literature in individuals affected with SCN9A-related conditions. ClinVar contains an entry for this variant (Variation ID: 3762640). Invitae Evidence Modeling of protein sequence and biophysical properties (such as structural, functional, and spatial information, amino acid conservation, physicochemical variation, residue mobility, and thermodynamic stability) has been performed for this missense variant. However, the output from this modeling did not meet the statistical confidence thresholds required to predict the impact of this variant on SCN9A protein function. In summary, the available evidence is currently insufficient to determine the role of this variant in disease. Therefore, it has been classified as a Variant of Uncertain Significance.